The following is an entry in ClinVar:

ClinVar aggregate classification (germline): Uncertain significance (1 of 4 stars; one submission).

Conditions:
Idiopathic generalized epilepsy. Also called: EIG; Generalised epilepsy. Identifiers: MedGen C0270850, MONDO:0005579, OMIM 600669.

Allele frequency attached by ClinVar (database versions not stated): gnomAD exomes below 0.00001; gnomAD 0.00001; TOPMed 0.00003.
gnomAD v4.1: 7 of 1,345,816 alleles (0.00052%); highest among the groups gnomAD compares: Admixed American, 0.0072%; no homozygotes.

Submission:

Labcorp Genetics (formerly Invitae), Labcorp
Classification: Uncertain significance for Idiopathic generalized epilepsy. Last evaluated: 2025-10-02. Review status: criteria provided, single submitter. Criteria: Invitae Variant Classification Sherloc (09022015). Collection method: clinical testing. Allele origin: germline.
Comment: This sequence change replaces alanine, which is neutral and non-polar, with threonine, which is neutral and polar, at codon 62 of the RBFOX3 protein (p.Ala62Thr). This variant is not present in population databases (gnomAD no frequency). This variant has not been reported in the literature in individuals affected with RBFOX3-related conditions. ClinVar contains an entry for this variant (Variation ID: 1057960). Invitae Evidence Modeling of protein sequence and biophysical properties (such as structural, functional, and spatial information, amino acid conservation, physicochemical variation, residue mobility, and thermodynamic stability) indicates that this missense variant is not expected to disrupt RBFOX3 protein function with a negative predictive value of 80%. In summary, the available evidence is currently insufficient to determine the role of this variant in disease. Therefore, it has been classified as a Variant of Uncertain Significance.

NM_001350451.2(RBFOX3):c.184G>A (p.Ala62Thr)

Gene: RBFOX3 (RNA binding fox-1 homolog 3; minus strand). Cytogenetic location: 17q25.3.
Variant type: single nucleotide variant.
Coding change: c.184G>A on transcript NM_001350451.2 (MANE Select); coding-DNA position 184, G replaced by A.
Protein change: p.Ala62Thr; replaces alanine 62 with threonine.
Molecular consequence: missense variant.
Genome position (GRCh38, 1-based): chr17:79,115,532, C>T on the plus strand (G>A on the coding strand, the complement: RBFOX3 is on the minus strand). VCF-style: chr17-79115532-C-T. GRCh37 (hg19) VCF-style: chr17-77111614-C-T.
Other names: c.184G>A, p.Ala62Thr (NM_001082575.3, NM_001350453.2, NM_001385804.1 and 43 more transcripts); short protein forms A62T.
Identifiers: ClinVar variation 1057960 (VCV001057960.9), dbSNP rs2033670420, ClinGen allele CA401317913.